The following is an entry in ClinVar:

NM_000166.6(GJB1):c.91T>C (p.Phe31Leu)

Gene: GJB1 (gap junction protein beta 1; plus strand). Cytogenetic location: Xq13.1.
Variant type: single nucleotide variant.
Coding change: c.91T>C on transcript NM_000166.6 (MANE Select); coding-DNA position 91, T replaced by C.
Protein change: p.Phe31Leu; replaces phenylalanine 31 with leucine.
Molecular consequence: missense variant.
Genome position (GRCh38, 1-based): chrX:71,223,798, T>C. VCF-style: chrX-71223798-T-C. GRCh37 (hg19) VCF-style: chrX-70443648-T-C.
Other names: c.91T>C, p.Phe31Leu (NM_001097642.3); short protein forms F31L.
Identifiers: ClinVar variation 847186 (VCV000847186.9), dbSNP rs2092542440, ClinGen allele CA413500869.

ClinVar aggregate classification (germline): Uncertain significance (1 of 4 stars; one submission).

Conditions:
Charcot-Marie-Tooth Neuropathy X. Identifiers: MedGen CN118851.

Submission:

Labcorp Genetics (formerly Invitae), Labcorp
Classification: Uncertain significance for Charcot-Marie-Tooth Neuropathy X. Last evaluated: 2019-12-08. Review status: criteria provided, single submitter. Criteria: Invitae Variant Classification Sherloc (09022015). Collection method: clinical testing. Allele origin: germline.
Comment: In summary, the available evidence is currently insufficient to determine the role of this variant in disease. Therefore, it has been classified as a Variant of Uncertain Significance. Algorithms developed to predict the effect of missense changes on protein structure and function are either unavailable or do not agree on the potential impact of this missense change (SIFT: "Deleterious"; PolyPhen-2: "Probably Damaging"; Align-GVGD: "Class C0"). This variant has been observed in individual(s) with clinical features of Charcot-Marie-Tooth disease (Invitae). This variant is not present in population databases (ExAC no frequency). This sequence change replaces phenylalanine with leucine at codon 31 of the GJB1 protein (p.Phe31Leu). The phenylalanine residue is highly conserved and there is a small physicochemical difference between phenylalanine and leucine.